The following is an entry in ClinVar:

NM_002691.4(POLD1):c.2541_2542del (p.Leu848fs)

Gene: POLD1 (DNA polymerase delta 1, catalytic subunit; plus strand). Cytogenetic location: 19q13.33.
Variant type: Deletion.
Coding change: c.2541_2542del on transcript NM_002691.4 (MANE Select); coding-DNA positions 2541 to 2542, 2 bases deleted (AC; older notation c.2541_2542delAC).
Protein change: p.Leu848fs; shifts the reading frame from leucine 848.
Molecular consequence: frameshift variant. On other transcripts: non-coding transcript variant (1).
Genome position (GRCh38, 1-based): chr19:50,414,967-50,414,968, AC deleted; deleting any 2 consecutive bases within chr19:50,414,966-50,414,968 gives the same sequence; the c. name uses the placement nearest the transcript's 3' end. VCF-style (leftmost placement, unchanged base first): chr19-50414965-TCA-T. GRCh37 (hg19) VCF-style: chr19-50918222-TCA-T.
Other names: c.2541_2542del, p.Leu848fs (NM_001256849.1); c.2619_2620del, p.Leu874fs (NM_001308632.1); short protein forms L848fs, L874fs.
Identifiers: ClinVar variation 1792821 (VCV001792821.8), dbSNP rs2514048979, ClinGen allele CA2580097735.

ClinVar aggregate classification (germline): Uncertain significance. Review status: criteria provided, multiple submitters, no conflicts (2 of 4 stars). 2 submissions from 2 submitters: Uncertain significance (2). Last evaluated 2025-08-17.

Conditions:
POLD1-related polyposis and colorectal cancer syndrome (CRCS10). Also called: Colorectal cancer 10; COLORECTAL CANCER, SUSCEPTIBILITY TO, ON CHROMOSOME 19q; Colorectal cancer, susceptibility to, 10. Identifiers: Orphanet 220460, MedGen C2675481, MONDO:0012953, OMIM 612591.
Hereditary cancer-predisposing syndrome. Also called: Tumor predisposition; Hereditary Cancer Syndrome; Hereditary neoplastic syndrome; Neoplastic Syndromes, Hereditary. Identifiers: Orphanet 140162, MedGen C0027672, MeSH D009386, MONDO:0015356.

Submissions (2):

Labcorp Genetics (formerly Invitae), Labcorp
Classification: Uncertain significance for POLD1-related polyposis and colorectal cancer syndrome. Last evaluated: 2025-08-17. Review status: criteria provided, single submitter. Criteria: Invitae Variant Classification Sherloc (09022015). Collection method: clinical testing. Allele origin: germline.
Comment: This sequence change creates a premature translational stop signal (p.Leu848Alafs*10) in the POLD1 gene. Missense variants that disrupt the 3'-5' exonuclease (proof-reading) activity of the POLD1 protein are associated with PPAP (polymerase proofreading–associated polyposis) (PMID: 23263490, 23447401). However, loss-of-function variants that result in an absent or severely disrupted POLD1 protein, and missense variants outside the exonuclease domain, are unlikely to be associated with PPAP. This variant is not present in population databases (gnomAD no frequency). This variant has not been reported in the literature in individuals affected with POLD1-related conditions. ClinVar contains an entry for this variant (Variation ID: 1792821). In summary, the available evidence is currently insufficient to determine the role of this variant in disease. Therefore, it has been classified as a Variant of Uncertain Significance.

Ambry Genetics
Classification: Uncertain significance for Hereditary cancer-predisposing syndrome. Last evaluated: 2025-05-22. Review status: criteria provided, single submitter. Criteria: Ambry Variant Classification Scheme 2023. Collection method: clinical testing. Allele origin: germline.
Comment: The c.2541_2542delAC variant, located in coding exon 19 of the POLD1 gene, results from a deletion of two nucleotides at nucleotide positions 2541 to 2542, causing a translational frameshift with a predicted alternate stop codon (p.L848Afs*10). This alteration is expected to result in premature protein truncation or nonsense-mediated mRNA decay. However, loss of function of POLD1 has not been established as a mechanism of disease. Based on the available evidence, the clinical significance of this variant remains unclear.

Literature cited by the submitters: PubMed 23263490 (cited by Labcorp Genetics (formerly Invitae), Labcorp); PubMed 23447401 (cited by Labcorp Genetics (formerly Invitae), Labcorp).